The following is an entry in ClinVar:

ClinVar aggregate classification (germline): Uncertain significance. Review status: criteria provided, multiple submitters, no conflicts (2 of 4 stars). 2 submissions from 2 submitters: Uncertain significance (2). Last evaluated 2024-04-24.

Conditions:
Ataxia-telangiectasia syndrome (AT). Also called: Ataxia-telangiectasia, complementation group D; AT, COMPLEMENTATION GROUP C; ATAXIA-TELANGIECTASIA, COMPLEMENTATION GROUP A; ATAXIA-TELANGIECTASIA, FRESNO VARIANT; Ataxia-telangiectasia; LOUIS-BAR SYNDROME. Identifiers: Orphanet 100, MedGen C0004135, MONDO:0008840, OMIM 208900.
Familial cancer of breast. Also called: Hereditary breast cancer; BREAST CANCER, FAMILIAL; hereditary breast carcinoma. Identifiers: Orphanet 227535, MedGen C0346153, MONDO:0016419, OMIM 114480. Disease mechanism: loss of function.

Submissions (2):

Labcorp Genetics (formerly Invitae), Labcorp
Classification: Uncertain significance for Ataxia-telangiectasia syndrome. Last evaluated: 2024-04-24. Review status: criteria provided, single submitter. Criteria: Invitae Variant Classification Sherloc (09022015). Collection method: clinical testing. Allele origin: germline.
Comment: This sequence change replaces tryptophan, which is neutral and slightly polar, with arginine, which is basic and polar, at codon 2769 of the ATM protein (p.Trp2769Arg). This variant is not present in population databases (gnomAD no frequency). This variant has not been reported in the literature in individuals affected with ATM-related conditions. ClinVar contains an entry for this variant (Variation ID: 642901). An algorithm developed to predict the effect of missense changes on protein structure and function (PolyPhen-2) suggests that this variant is likely to be disruptive. In summary, the available evidence is currently insufficient to determine the role of this variant in disease. Therefore, it has been classified as a Variant of Uncertain Significance.

Fulgent Genetics
Classification: Uncertain significance for Familial cancer of breast; Ataxia-telangiectasia syndrome. Last evaluated: 2024-03-19. Review status: criteria provided, single submitter. Criteria: ACMG Guidelines, 2015. Collection method: clinical testing. Allele origin: germline.

NM_000051.4(ATM):c.8305T>C (p.Trp2769Arg)

Genes: ATM (ATM serine/threonine kinase; plus strand), C11orf65 (chromosome 11 open reading frame 65; minus strand). Cytogenetic location: 11q22.3.
Variant type: single nucleotide variant.
Coding change: c.8305T>C on transcript NM_000051.4 (MANE Select); coding-DNA position 8305, T replaced by C.
Protein change: p.Trp2769Arg; replaces tryptophan 2769 with arginine.
Molecular consequence: missense variant. On other transcripts: intron variant (2).
Genome position (GRCh38, 1-based): chr11:108,343,258, T>C. VCF-style: chr11-108343258-T-C. GRCh37 (hg19) VCF-style: chr11-108213985-T-C.
Other names: c.8305T>C, p.Trp2769Arg (NM_001351834.2); c.641-34187A>G (NM_001330368.2); c.695-7966A>G (NM_001351110.2); short protein forms W2769R.
Identifiers: ClinVar variation 642901 (VCV000642901.10), dbSNP rs1591247945, ClinGen allele CA16622060.